The following is an entry in ClinVar:

ClinVar aggregate classification (germline): Uncertain significance (1 of 4 stars; one submission).

Conditions:
Hypertrophic cardiomyopathy. Also called: HYPERTROPHIC MYOCARDIOPATHY. Identifiers: Orphanet 217569, MedGen C0007194, MeSH D002312, MONDO:0005045, HP:0001639.

Allele frequency attached by ClinVar (database versions not stated): gnomAD exomes below 0.00001.
gnomAD v4.1: 1 of 1,614,150 alleles (0.000062%); highest among the groups gnomAD compares: Non-Finnish European, 0.000085%; no homozygotes.

Submission:

Labcorp Genetics (formerly Invitae), Labcorp
Classification: Uncertain significance for Hypertrophic cardiomyopathy. Last evaluated: 2021-02-21. Review status: criteria provided, single submitter. Criteria: Invitae Variant Classification Sherloc (09022015). Collection method: clinical testing. Allele origin: germline.
Comment: In summary, the available evidence is currently insufficient to determine the role of this variant in disease. Therefore, it has been classified as a Variant of Uncertain Significance. This variant is found within a region of MYH7 between codons 181 and 937 that contains the majority of the myosin head domain. Missense variants in this region have been shown to be significantly overrepresented in individuals with hypertrophic cardiomyopathy (PMID: 27532257). Algorithms developed to predict the effect of missense changes on protein structure and function (SIFT, PolyPhen-2, Align-GVGD) all suggest that this variant is likely to be disruptive, but these predictions have not been confirmed by published functional studies and their clinical significance is uncertain. However, in that individual a pathogenic allele was also identified in MYH7 which suggests that this c.2674C>A variant was not the primary cause of disease (PMID: 23283745). This variant is not present in population databases (ExAC no frequency). This sequence change replaces glutamine with lysine at codon 892 of the MYH7 protein (p.Gln892Lys). The glutamine residue is highly conserved and there is a small physicochemical difference between glutamine and lysine.

Literature cited by the submitters: PubMed 27532257; PubMed 23283745.

NM_000257.4(MYH7):c.2674C>A (p.Gln892Lys)

Genes: MYH7 (myosin heavy chain 7; minus strand), LOC126861898 (BRD4-independent group 4 enhancer GRCh37_chr14:23893609-23894808; plus strand). Cytogenetic location: 14q11.2.
Variant type: single nucleotide variant.
Coding change: c.2674C>A on transcript NM_000257.4 (MANE Select); coding-DNA position 2674, C replaced by A.
Protein change: p.Gln892Lys; replaces glutamine 892 with lysine.
Molecular consequence: missense variant.
Genome position (GRCh38, 1-based): chr14:23,424,774, G>T on the plus strand (C>A on the coding strand, the complement: MYH7 is on the minus strand). VCF-style: chr14-23424774-G-T. GRCh37 (hg19) VCF-style: chr14-23893983-G-T.
Other names: short protein forms Q892K.
Identifiers: ClinVar variation 454359 (VCV000454359.9), dbSNP rs1555337684, ClinGen allele CA389047810.